The following is an entry in ClinVar:

ClinVar aggregate classification (germline): Uncertain significance (1 of 4 stars; one submission).

Conditions:
Epileptic encephalopathy. Identifiers: MedGen C0543888, HP:0200134.

Allele frequency attached by ClinVar (database versions not stated): TOPMed below 0.00001.

Submission:

Labcorp Genetics (formerly Invitae), Labcorp
Classification: Uncertain significance for Epileptic encephalopathy. Last evaluated: 2019-09-08. Review status: criteria provided, single submitter. Criteria: Invitae Variant Classification Sherloc (09022015). Collection method: clinical testing. Allele origin: germline.
Comment: This sequence change replaces arginine with lysine at codon 3469 of the RYR3 protein (p.Arg3469Lys). The arginine residue is highly conserved and there is a small physicochemical difference between arginine and lysine. This variant is not present in population databases (ExAC no frequency). This variant has not been reported in the literature in individuals with RYR3-related conditions. Algorithms developed to predict the effect of missense changes on protein structure and function are either unavailable or do not agree on the potential impact of this missense change (SIFT: "Deleterious"; PolyPhen-2: "Benign"; Align-GVGD: "Class C0"). In summary, the available evidence is currently insufficient to determine the role of this variant in disease. Therefore, it has been classified as a Variant of Uncertain Significance.

NM_001036.6(RYR3):c.10406G>A (p.Arg3469Lys)

Gene: RYR3 (ryanodine receptor 3; plus strand). Cytogenetic location: 15q14.
Variant type: single nucleotide variant.
Coding change: c.10406G>A on transcript NM_001036.6 (MANE Select); coding-DNA position 10406, G replaced by A.
Protein change: p.Arg3469Lys; replaces arginine 3469 with lysine.
Molecular consequence: missense variant.
Genome position (GRCh38, 1-based): chr15:33,813,483, G>A. VCF-style: chr15-33813483-G-A. GRCh37 (hg19) VCF-style: chr15-34105684-G-A.
Other names: c.10391G>A, p.Arg3464Lys (NM_001243996.4); short protein forms R3469K, R3464K.
Identifiers: ClinVar variation 936822 (VCV000936822.9), dbSNP rs2076654085, ClinGen allele CA391583784.
Genomic context (GRCh38, chr15:33,813,483, plus strand): 5'-GAAGATCAGCCTAATGTGCACCAACCGATGTGATCTCTTCTCAGGTGGAACAGCCTTTGA[G>A]GTCCAAGAAGGCCGTCTGGCACAAACTGTTATCAAAGCAACGGAAACGGGCAGTGGTGGC-3'
Protein context (NP_001027.3, residues 3459-3479): FHLEQVEQPL[Arg3469Lys]SKKAVWHKLL